The following is an entry in ClinVar:

NM_004974.4(KCNA2):c.621C>A (p.Asn207Lys)

Gene: KCNA2 (potassium voltage-gated channel subfamily A member 2; minus strand). Cytogenetic location: 1p13.3.
Variant type: single nucleotide variant.
Coding change: c.621C>A on transcript NM_004974.4 (MANE Select); coding-DNA position 621, C replaced by A.
Protein change: p.Asn207Lys; replaces asparagine 207 with lysine.
Molecular consequence: missense variant.
Genome position (GRCh38, 1-based): chr1:110,604,162, G>T on the plus strand (C>A on the coding strand, the complement: KCNA2 is on the minus strand). VCF-style: chr1-110604162-G-T. GRCh37 (hg19) VCF-style: chr1-111146784-G-T.
Other names: c.621C>A, p.Asn207Lys (NM_001204269.2); short protein forms N207K.
Identifiers: ClinVar variation 1878586 (VCV001878586.29), dbSNP rs2101400500, ClinGen allele CA341603585.

ClinVar aggregate classification (germline): Uncertain significance. Review status: criteria provided, multiple submitters, no conflicts (2 of 4 stars). 3 submissions from 3 submitters: Uncertain significance (3). Last evaluated 2024-02-21.

Conditions:
Developmental and epileptic encephalopathy, 32 (DEE32). Also called: Epileptic encephalopathy, early infantile, 32. Identifiers: Orphanet 442835, MedGen C4225350, MONDO:0014607, OMIM 616366.

Submissions (3):

Blueprint Genetics
Classification: Uncertain significance. Last evaluated: 2024-02-21. Review status: criteria provided, single submitter. Criteria: ACMG Guidelines, 2015. Collection method: clinical testing. Allele origin: germline.

CeGaT Center for Human Genetics Tuebingen
Classification: Uncertain significance. Last evaluated: 2023-04-01. Review status: criteria provided, single submitter. Criteria: CeGaT Center For Human Genetics Tuebingen Variant Classification Criteria Version 2. Collection method: clinical testing. Allele origin: germline. Affected: yes. Observed: 1 variant allele.
Comment: KCNA2: PM2, PP2

Neuberg Centre For Genomic Medicine, NCGM
Classification: Uncertain significance for Developmental and epileptic encephalopathy, 32. Review status: criteria provided, single submitter. Criteria: ACMG Guidelines, 2015. Collection method: clinical testing. Allele origin: germline. Affected: yes.
Comment: The missense variant c.621C>A in KCNA2 (NM_004974.4) variant has not been described previously in affected individuals. The p.Asn207Lys variant is novel (not in any individuals) in gnomAD Exomes and 1000 Genomes. The variant is predicted to be damaging by both SIFT and PolyPhen2. The residue is conserved across species. The amino acid change p.Asn207Lys in KCNA2 is predicted as conserved by GERP++ and PhyloP across 100 vertebrates. For these reasons, this variant has been classified as Uncertain Significance